The following is an entry in ClinVar:

NM_001382567.1(STIM1):c.293A>G (p.Tyr98Cys)

Gene: STIM1 (stromal interaction molecule 1; plus strand). Cytogenetic location: 11p15.4.
Variant type: single nucleotide variant.
Coding change: c.293A>G on transcript NM_001382567.1 (MANE Select); coding-DNA position 293, A replaced by G.
Protein change: p.Tyr98Cys; replaces tyrosine 98 with cysteine.
Molecular consequence: missense variant. On other transcripts: 5 prime UTR variant (3), non-coding transcript variant (3).
Genome position (GRCh38, 1-based): chr11:4,023,895, A>G. VCF-style: chr11-4023895-A-G. GRCh37 (hg19) VCF-style: chr11-4045125-A-G.
Other names: c.293A>G, p.Tyr98Cys (NM_001277961.3, NM_001277962.2, NM_001382568.1 and 3 more transcripts); c.71A>G, p.Tyr24Cys (NM_001382566.1, NM_001382573.1, NM_001382574.1 and 5 more transcripts); c.158A>G, p.Tyr53Cys (NM_001382569.1); c.-76A>G (NM_001382571.1); c.-197A>G (NM_001382580.1, NM_001382581.1); short protein forms Y24C, Y53C, Y98C.
Identifiers: ClinVar variation 3233242 (VCV003233242.3), dbSNP rs2497906029.

ClinVar aggregate classification (germline): Conflicting classifications of pathogenicity. Review status: criteria provided, conflicting classifications (1 of 4 stars). 2 submissions from 2 submitters: Likely pathogenic (1); Uncertain significance (1). Last evaluated 2025-08-14.

Conditions:
Myopathy with tubular aggregates (TAM). Also called: Tubular Aggregate Myopathy. Identifiers: Orphanet 2593, MedGen C0410207, MONDO:0008051.
Combined immunodeficiency due to STIM1 deficiency. Also called: IMMUNODEFICIENCY 10; STIM1 DEFICIENCY. Identifiers: Orphanet 169090, Orphanet 317430, MedGen C2748557, MONDO:0013008, OMIM 612783.
Stormorken syndrome (STRMK). Also called: THROMBOCYTOPATHY, ASPLENIA, AND MIOSIS. Identifiers: Orphanet 3204, MedGen C1861451, MONDO:0008497, OMIM 185070.

Submissions (2):

Labcorp Genetics (formerly Invitae), Labcorp
Classification: Uncertain significance for Myopathy with tubular aggregates; Combined immunodeficiency due to STIM1 deficiency; Stormorken syndrome. Last evaluated: 2025-08-14. Review status: criteria provided, single submitter. Criteria: Invitae Variant Classification Sherloc (09022015). Collection method: clinical testing. Allele origin: germline.
Comment: This sequence change replaces tyrosine, which is neutral and polar, with cysteine, which is neutral and slightly polar, at codon 98 of the STIM1 protein (p.Tyr98Cys). This variant is not present in population databases (gnomAD no frequency). This missense change has been observed in individual(s) with STIM1-related conditions (PMID: 31448844). ClinVar contains an entry for this variant (Variation ID: 3233242). Invitae Evidence Modeling of protein sequence and biophysical properties (such as structural, functional, and spatial information, amino acid conservation, physicochemical variation, residue mobility, and thermodynamic stability) has been performed for this missense variant. However, the output from this modeling did not meet the statistical confidence thresholds required to predict the impact of this variant on STIM1 protein function. In summary, the available evidence is currently insufficient to determine the role of this variant in disease. Therefore, it has been classified as a Variant of Uncertain Significance.

Muscle and Diseases Team, Institut de Génétique et Biologie Moléculaire et Cellulaire
Classification: Likely pathogenic for Myopathy with tubular aggregates. Last evaluated: 2024-03-01. Review status: criteria provided, single submitter. Criteria: ACMG Guidelines, 2015. Collection method: research. Allele origin: de novo. Affected: yes. Observed: 1 variant allele.
Comment: PM2+PM6+PP3+PP4

Literature cited by the submitters: PubMed 31448844 (cited by Labcorp Genetics (formerly Invitae), Labcorp and Muscle and Diseases Team, Institut de Génétique et Biologie Moléculaire et Cellulaire); DOI 10.1186/s13073-024-01353-0 (cited by Muscle and Diseases Team, Institut de Génétique et Biologie Moléculaire et Cellulaire).